The following is an entry in ClinVar:

ClinVar aggregate classification (germline): Uncertain significance. Review status: criteria provided, multiple submitters, no conflicts (2 of 4 stars). 5 submissions from 5 submitters: Uncertain significance (5). Last evaluated 2025-04-11.

Conditions:
Arrhythmogenic right ventricular dysplasia 2. Identifiers: MedGen C1832931.
Catecholaminergic polymorphic ventricular tachycardia 1. Also called: RYR2-Related Catecholaminergic Polymorphic Ventricular Tachycardia; VENTRICULAR TACHYCARDIA, CATECHOLAMINERGIC POLYMORPHIC, 1, WITH OR WITHOUT ATRIAL DYSFUNCTION AND/OR DILATED CARDIOMYOPATHY; VENTRICULAR TACHYCARDIA, STRESS-INDUCED POLYMORPHIC 1. Identifiers: Orphanet 3286, MedGen C1631597, MONDO:0011484, OMIM 604772.
Ventricular arrhythmias due to cardiac ryanodine receptor calcium release deficiency syndrome. Also called: Autosomal dominant cardiac arrhythmia (Kuhn). Identifiers: MedGen C5542154, MONDO:0020745, OMIM 115000.
Catecholaminergic polymorphic ventricular tachycardia (CVPT). Also called: Catecholamine-induced polymorphic ventricular tachycardia. Identifiers: Orphanet 3286, MedGen C5574922, MONDO:0017990.
Cardiomyopathy (CMYO). Also called: Cardiomyopathies. Identifiers: Orphanet 167848, MedGen C0878544, MONDO:0004994, HP:0001638. Inheritance: Various modes of inheritance.

gnomAD v4.1: 21 of 1,613,842 alleles (0.0013%); highest among the groups gnomAD compares: Non-Finnish European, 0.0018%; no homozygotes.

Submissions (5):

Labcorp Genetics (formerly Invitae), Labcorp
Classification: Uncertain significance for Catecholaminergic polymorphic ventricular tachycardia 1. Last evaluated: 2025-04-11. Review status: criteria provided, single submitter. Criteria: Invitae Variant Classification Sherloc (09022015). Collection method: clinical testing. Allele origin: germline.
Comment: This sequence change replaces proline, which is neutral and non-polar, with serine, which is neutral and polar, at codon 828 of the RYR2 protein (p.Pro828Ser). This variant is not present in population databases (gnomAD no frequency). This variant has not been reported in the literature in individuals affected with RYR2-related conditions. ClinVar contains an entry for this variant (Variation ID: 201164). Invitae Evidence Modeling of protein sequence and biophysical properties (such as structural, functional, and spatial information, amino acid conservation, physicochemical variation, residue mobility, and thermodynamic stability) indicates that this missense variant is expected to disrupt RYR2 protein function with a positive predictive value of 95%. In summary, the available evidence is currently insufficient to determine the role of this variant in disease. Therefore, it has been classified as a Variant of Uncertain Significance.

All of Us Research Program, National Institutes of Health
Classification: Uncertain significance for Catecholaminergic polymorphic ventricular tachycardia. Last evaluated: 2024-03-24. Review status: criteria provided, single submitter. Criteria: ACMG Guidelines, 2015. Collection method: clinical testing. Allele origin: germline. Inheritance: Autosomal dominant inheritance. Observed: 1 variant allele, 1 heterozygote.
Comment: This missense variant replaces proline with serine at codon 828 of the RYR2 protein. Computational prediction suggests that this variant may have deleterious impact on protein structure and function (internally defined REVEL score threshold >= 0.7, PMID: 27666373). To our knowledge, functional studies have not been reported for this variant. This variant has not been reported in individuals affected with RYR2-related disorders in the literature. This variant has not been identified in the general population by the Genome Aggregation Database (gnomAD). The available evidence is insufficient to determine the role of this variant in disease conclusively. Therefore, this variant is classified as a Variant of Uncertain Significance.

This study involves interpretation of variants in research participants for the purpose of population health screening. Participant phenotype was not available at the time of variant classification. Additional details can be found in publication PMID: 35346344, PMCID: PMC8962531

Color Diagnostics, LLC DBA Color Health
Classification: Uncertain significance for Cardiomyopathy. Last evaluated: 2024-03-07. Review status: criteria provided, single submitter. Criteria: ACMG Guidelines, 2015. Collection method: clinical testing. Allele origin: germline.
Comment: This missense variant replaces proline with serine at codon 828 of the RYR2 protein. Computational prediction suggests that this variant may have deleterious impact on protein structure and function (internally defined REVEL score threshold >= 0.7, PMID: 27666373). To our knowledge, functional studies have not been reported for this variant. This variant has not been reported in individuals affected with RYR2-related disorders in the literature. This variant has not been identified in the general population by the Genome Aggregation Database (gnomAD). The available evidence is insufficient to determine the role of this variant in disease conclusively. Therefore, this variant is classified as a Variant of Uncertain Significance.

Fulgent Genetics
Classification: Uncertain significance for Ventricular arrhythmias due to cardiac ryanodine receptor calcium release deficiency syndrome; Catecholaminergic polymorphic ventricular tachycardia 1. Last evaluated: 2021-07-07. Review status: criteria provided, single submitter. Criteria: ACMG Guidelines, 2015. Collection method: clinical testing. Allele origin: unknown.

GeneDx
Classification: Uncertain significance. Last evaluated: 2016-09-22. Review status: criteria provided, single submitter. Criteria: GeneDx Variant Classification (06012015). Collection method: clinical testing. Allele origin: germline. Affected: yes.
Comment: The P828S variant in the RYR2 gene has not been reported as a pathogenic variant or a benign variant, to our knowledge. The P828S variant was not observed in approximately 6,100 individuals of European and African American ancestry in the NHLBI Exome Sequencing Project, indicating it is not a common benign variant in these populations. P828S results in a non-conservative amino acid substitution of non-polar Proline with a neutral, polar Serine at a position that is conserved across species. Consequently, in silico analysis predicts this variant is probably damaging to the protein structure/function. However, the P828S variant is not located in one of the three hot-spot regions of the RYR2 gene, where the majority of pathogenic missense variants occur and no pathogenic variants have been reported in nearby residues to date (Medeiros-Domingo A et al., 2009; Stenson P et al., 2014).

NM_001035.3(RYR2):c.2482C>T (p.Pro828Ser)

Gene: RYR2 (ryanodine receptor 2; plus strand). Cytogenetic location: 1q43.
Variant type: single nucleotide variant.
Coding change: c.2482C>T on transcript NM_001035.3 (MANE Select); coding-DNA position 2482, C replaced by T.
Protein change: p.Pro828Ser; replaces proline 828 with serine.
Molecular consequence: missense variant.
Genome position (GRCh38, 1-based): chr1:237,503,374, C>T. VCF-style: chr1-237503374-C-T. GRCh37 (hg19) VCF-style: chr1-237666674-C-T.
Other names: p.P828S:CCA>TCA; c.2482C>T, p.Pro828Ser (LRG_402t1); short protein forms P828S.
Identifiers: ClinVar variation 201164 (VCV000201164.8), dbSNP rs794728698, ClinGen allele CA008862.